The following is an entry in ClinVar:

NM_001034853.2(RPGR):c.592G>A (p.Gly198Arg)

Gene: RPGR (retinitis pigmentosa GTPase regulator; minus strand). Cytogenetic location: Xp11.4.
Variant type: single nucleotide variant.
Coding change: c.592G>A on transcript NM_001034853.2 (MANE Select); coding-DNA position 592, G replaced by A.
Protein change: p.Gly198Arg; replaces glycine 198 with arginine.
Molecular consequence: missense variant. On other transcripts: non-coding transcript variant (5).
Genome position (GRCh38, 1-based): chrX:38,317,343, C>T on the plus strand (G>A on the coding strand, the complement: RPGR is on the minus strand). VCF-style: chrX-38317343-C-T. GRCh37 (hg19) VCF-style: chrX-38176596-C-T.
Other names: NM_001034853.2(RPGR):c.592G>A; p.Gly198Arg; c.592G>A, p.Gly198Arg (NM_000328.3, NM_001367245.1, NM_001367246.1 and 3 more transcripts); c.622G>A, p.Gly208Arg (NM_001367248.1); c.589G>A, p.Gly197Arg (NM_001367249.1); short protein forms G197R, G198R, G208R.
Identifiers: ClinVar variation 812420 (VCV000812420.10), dbSNP rs1601972255, ClinGen allele CA412744489.

ClinVar aggregate classification (germline): Pathogenic. Review status: reviewed by expert panel (3 of 4 stars). 4 submissions from 4 submitters: Pathogenic (1). 3 of the submissions do not count toward it. Last evaluated 2025-09-07.

Conditions:
RPGR-related retinopathy. Also called: RPGR retinopathy. Identifiers: MedGen CN305589, MONDO:0100437.
Primary ciliary dyskinesia. Also called: Ciliary dyskinesia. Identifiers: Orphanet 244, MedGen C0008780, MONDO:0016575, HP:0012265.
RPGR-related disorder. Also called: RPGR-related condition.
Retinitis pigmentosa (RP). Identifiers: Orphanet 791, MedGen C0035334, MeSH D012174, MONDO:0019200, OMIM 268000. Inheritance: Autosomal dominant, autosomal recessive and X linked inheritance.

Submissions (5):

ClinGen X-linked Inherited Retinal Disease Variant Curation Expert Panel, ClinGen
Classification: Pathogenic for RPGR-related retinopathy. Last evaluated: 2025-09-07. Review status: reviewed by expert panel. Criteria: ClinGen X LinkedIRD ACMG Specifications RPGR V1.0.0. Collection method: curation. Allele origin: germline. Inheritance: X-linked inheritance.
Comment: NM_001034853.2(RPGR):c.592G>A (p.Gly198Arg) is a missense variant encoding the substitution of glycine by arginine at amino acid 198. Another missense variant in the same codon, NM_001034853.2:c.593G>A (p.Gly198Glu) (PMIDs: 18552978, 32821524, 36460718), is classified as likely pathogenic for RPGR-related retinopathy based on the ClinGen X-linked IRD VCEP specifications, while no benign missense variants have been identified in this codon. The present variant has a higher Grantham’s distance (125) than the comparison variant (98); however, SpliceAI predicts that c.593G>A (p.Gly198Glu) does not impact splicing, whereas the present variant may impact splicing and may therefore have an additional mechanism for causing disease. Therefore, the PM5 code has not been applied. This variant is absent from gnomAD v4.1.0 (PM2_Supporting). This variant has been reported in at least 4 apparently unrelated probands meeting one of the PS4 requirements of a male with some functional vision impairment by age 30 years and/or decreased or absent electroretinogram responses (PMID: 34985506, PMID: 31456290, personal communication with clinical labs, PS4_Moderate). The variant has also been reported in additional probands with vision abnormalities but insufficient clinical details available to count for the PS4 code (PMID: 31456290, PMID: 32531858). The variant has been reported to segregate with retinal dystrophy through at least 10 affected meioses total from 2 families (PMID: 31456290, PP1_Strong). The computational predictor REVEL gives a score of 0.988, which is above the ClinGen X-linked IRD VCEP threshold of >0.932 and predicts a damaging effect on RPGR function (PP3_Strong). Additionally, the splicing impact predictor SpliceAI gives delta scores of 0.47 and 0.20 for donor loss and donor gain, respectively, which are above the ClinGen X-linked IRD VCEP recommended threshold of ≥0.2 and predict a damaging impact on splicing. In summary, this variant is classified as pathogenic for RPGR-related retinopathy based on the ClinGen X-linked Inherited Retinal Disease Expert Panel Specifications to the ACMG/AMP Variant Interpretation Guidelines for RPGR Version 1.0.0; PP1_Strong, PP3_Strong, PS4_Moderate, and PM2_Supporting.

Labcorp Genetics (formerly Invitae), Labcorp
Classification: Pathogenic for Primary ciliary dyskinesia. Last evaluated: 2024-04-25. Review status: criteria provided, single submitter. Criteria: Invitae Variant Classification Sherloc (09022015). Collection method: clinical testing. Allele origin: germline. Not counted in ClinVar's aggregate classification.
Comment: This sequence change replaces glycine, which is neutral and non-polar, with arginine, which is basic and polar, at codon 198 of the RPGR protein (p.Gly198Arg). This variant is not present in population databases (gnomAD no frequency). This missense change has been observed in individuals with retinitis pigmentosa (PMID: 26261414, 28863407, 31456290; Invitae). ClinVar contains an entry for this variant (Variation ID: 812420). Advanced modeling of protein sequence and biophysical properties (such as structural, functional, and spatial information, amino acid conservation, physicochemical variation, residue mobility, and thermodynamic stability) performed at Invitae indicates that this missense variant is expected to disrupt RPGR protein function with a positive predictive value of 95%. Algorithms developed to predict the effect of sequence changes on RNA splicing suggest that this variant may disrupt the consensus splice site. This variant disrupts the p.Gly198 amino acid residue in RPGR. Other variant(s) that disrupt this residue have been observed in individuals with RPGR-related conditions (PMID: 18552978), which suggests that this may be a clinically significant amino acid residue. For these reasons, this variant has been classified as Pathogenic.

Blueprint Genetics
Classification: Pathogenic for RPGR-related disorders. Last evaluated: 2019-04-24. Review status: criteria provided, single submitter. Criteria: ACMG Guidelines, 2015. Collection method: clinical testing. Allele origin: germline. Affected: yes. Observed: 2 variant alleles. Not counted in ClinVar's aggregate classification.

Sharon lab, Hadassah-Hebrew University Medical Center
Classification: Pathogenic for Retinitis pigmentosa. Last evaluated: 2019-06-23. Review status: no assertion criteria provided. Collection method: research. Allele origin: inherited. Affected: yes. Not counted in ClinVar's aggregate classification.

Dr. Peter K. Rogan Lab, Western University
No classification provided (evidence only). Condition: Nonpapillary renal cell carcinoma. Review status: no classification provided. Collection method: in vitro. Allele origin: not applicable. Functional consequence: retained intron. Not counted in ClinVar's aggregate classification.

Literature cited by the submitters: PubMed 26261414 (cited by Labcorp Genetics (formerly Invitae), Labcorp); PubMed 28863407 (cited by Labcorp Genetics (formerly Invitae), Labcorp); PubMed 31456290 (cited by Labcorp Genetics (formerly Invitae), Labcorp); PubMed 18552978 (cited by Labcorp Genetics (formerly Invitae), Labcorp).